The following is an entry in ClinVar:

ClinVar aggregate classification (germline): Conflicting classifications of pathogenicity. Review status: criteria provided, conflicting classifications (1 of 4 stars). 7 submissions from 7 submitters: Uncertain significance (1); Benign (1); Likely benign (4). 1 of the submissions does not count toward it. Last evaluated 2025-10-02.

Conditions:
Sotos syndrome (SOTOS). Also called: Distinctive facial appearance, overgrowth in childhood, and learning disabilities or delayed development; SOTOS SYNDROME 1; Sotos' syndrome; CHROMOSOME 5q35 DELETION SYNDROME; CEREBRAL GIGANTISM. Identifiers: Orphanet 821, MedGen C0175695, MONDO:0019349, OMIM 117550.
NSD1-related disorder. Also called: NSD1-related condition.
Inborn genetic diseases. Identifiers: MedGen C0950123, MeSH D030342.

Allele frequency attached by ClinVar (database versions not stated): ExAC 0.00004; gnomAD 0.00009 and 0.00008; gnomAD exomes 0.00004; ESP Exome Variant Server 0.00008; TOPMed 0.00011.
gnomAD v4.1: 26 of 1,613,964 alleles (0.0016%); highest among the groups gnomAD compares: African/African-American, 0.024%; no homozygotes.

Submissions (7):

Labcorp Genetics (formerly Invitae), Labcorp
Classification: Likely benign. Last evaluated: 2025-10-02. Review status: criteria provided, single submitter. Criteria: Invitae Variant Classification Sherloc (09022015). Collection method: clinical testing. Allele origin: germline.

Ambry Genetics
Classification: Likely benign for Inborn genetic diseases. Last evaluated: 2024-06-13. Review status: criteria provided, single submitter. Criteria: Ambry Variant Classification Scheme 2023. Collection method: clinical testing. Allele origin: germline.

Blueprint Genetics
Classification: Likely benign. Last evaluated: 2023-03-28. Review status: criteria provided, single submitter. Criteria: ACMG Guidelines, 2015. Collection method: clinical testing. Allele origin: germline.

Genome-Nilou Lab
Classification: Likely benign for Sotos syndrome. Last evaluated: 2021-07-15. Review status: criteria provided, single submitter. Criteria: ACMG Guidelines, 2015. Collection method: clinical testing. Allele origin: germline. Affected: no.

GeneDx
Classification: Benign. Last evaluated: 2019-03-07. Review status: criteria provided, single submitter. Criteria: GeneDx Variant Classification Process June 2021. Collection method: clinical testing. Allele origin: germline. Affected: yes.

Genomic Diagnostic Laboratory, Division of Genomic Diagnostics, Children's Hospital of Philadelphia
Classification: Uncertain significance. Last evaluated: 2015-10-30. Review status: criteria provided, single submitter. Criteria: DGD Variant Analysis Guidelines. Collection method: clinical testing. Allele origin: unknown.

PreventionGenetics, part of Exact Sciences
Classification: Likely benign for NSD1-related condition. Last evaluated: 2023-02-17. Review status: no assertion criteria provided. Collection method: clinical testing. Allele origin: germline. Not counted in ClinVar's aggregate classification.
Comment: This variant is classified as likely benign based on ACMG/AMP sequence variant interpretation guidelines (Richards et al. 2015 PMID: 25741868, with internal and published modifications).

NM_022455.5(NSD1):c.72C>T (p.Ala24=)

Gene: NSD1 (nuclear receptor binding SET domain protein 1; plus strand). Cytogenetic location: 5q35.3.
Variant type: single nucleotide variant.
Coding change: c.72C>T on transcript NM_022455.5 (MANE Select); coding-DNA position 72, C replaced by T.
Protein change: p.Ala24=; no amino-acid change (alanine 24 retained).
Molecular consequence: synonymous variant. On other transcripts: 5 prime UTR variant (7).
Genome position (GRCh38, 1-based): chr5:177,135,175, C>T. VCF-style: chr5-177135175-C-T. GRCh37 (hg19) VCF-style: chr5-176562176-C-T.
Other names: c.-62C>T (NM_001365684.2, NM_001409305.1, NM_001409306.1 and 4 more transcripts); c.72C>T, p.Ala24= (NM_001409301.1, NM_001409302.1, NM_001409303.1 and 1 more transcripts); c.5C>T (NM_001365684.1); short protein forms P2L.
Identifiers: ClinVar variation 252792 (VCV000252792.21), dbSNP rs147146776, ClinGen allele CA3576839.